The following is an entry in ClinVar:

ClinVar aggregate classification (germline): Uncertain significance (1 of 4 stars; one submission).

Conditions:
Hereditary cancer-predisposing syndrome. Also called: Neoplastic Syndromes, Hereditary; Tumor predisposition; Hereditary neoplastic syndrome; Hereditary Cancer Syndrome. Identifiers: Orphanet 140162, MedGen C0027672, MeSH D009386, MONDO:0015356.

Submission:

Ambry Genetics
Classification: Uncertain significance for Hereditary cancer-predisposing syndrome. Last evaluated: 2023-01-19. Review status: criteria provided, single submitter. Criteria: Ambry Variant Classification Scheme 2023. Collection method: clinical testing. Allele origin: germline.
Comment: The p.P599A variant (also known as c.1795C>G), located in coding exon 9 of the ALK gene, results from a C to G substitution at nucleotide position 1795. The proline at codon 599 is replaced by alanine, an amino acid with highly similar properties. This amino acid position is conserved. In addition, this alteration is predicted to be tolerated by in silico analysis. Since supporting evidence is limited at this time, the clinical significance of this alteration remains unclear.

NM_004304.5(ALK):c.1795C>G (p.Pro599Ala)

Gene: ALK (ALK receptor tyrosine kinase; minus strand). Cytogenetic location: 2p23.2.
Variant type: single nucleotide variant.
Coding change: c.1795C>G on transcript NM_004304.5 (MANE Select); coding-DNA position 1795, C replaced by G.
Protein change: p.Pro599Ala; replaces proline 599 with alanine.
Molecular consequence: missense variant.
Genome position (GRCh38, 1-based): chr2:29,296,910, G>C on the plus strand (C>G on the coding strand, the complement: ALK is on the minus strand). VCF-style: chr2-29296910-G-C. GRCh37 (hg19) VCF-style: chr2-29519776-G-C.
Other names: short protein forms P599A.
Identifiers: ClinVar variation 2452117 (VCV002452117.2), dbSNP rs2148231018, ClinGen allele CA346465886.